The following is an entry in ClinVar:

ClinVar aggregate classification (germline): Likely benign. Review status: criteria provided, multiple submitters, no conflicts (2 of 4 stars). 2 submissions from 2 submitters: Likely benign (2). Last evaluated 2025-11-23.

Allele frequency attached by ClinVar (database versions not stated): ESP Exome Variant Server 0.00015; 1000 Genomes Project 30x 0.00031; 1000 Genomes Project 0.00040.
gnomAD v4.1: 325 of 1,612,834 alleles (0.02%); highest among the groups gnomAD compares: African/African-American, 0.043%; no homozygotes.

Submissions (2):

Labcorp Genetics (formerly Invitae), Labcorp
Classification: Likely benign. Last evaluated: 2025-11-23. Review status: criteria provided, single submitter. Criteria: Invitae Variant Classification Sherloc (09022015). Collection method: clinical testing. Allele origin: germline.

CeGaT Center for Human Genetics Tuebingen
Classification: Likely benign. Last evaluated: 2025-08-01. Review status: criteria provided, single submitter. Criteria: CeGaT Center For Human Genetics Tuebingen Variant Classification Criteria Version 2. Collection method: clinical testing. Allele origin: germline. Affected: yes. Observed: 1 variant allele.
Comment: SLC26A1: BP4, BP7

NM_022042.4(SLC26A1):c.282C>T (p.Ala94=)

Genes: IDUA (alpha-L-iduronidase; plus strand), SLC26A1 (solute carrier family 26 member 1; minus strand). Cytogenetic location: 4p16.3.
Variant type: single nucleotide variant.
Coding change: c.282C>T on transcript NM_022042.4 (MANE Select); coding-DNA position 282, C replaced by T.
Protein change: p.Ala94=; no amino-acid change (alanine 94 retained).
Molecular consequence: synonymous variant. On other transcripts: intron variant (1).
Genome position (GRCh38, 1-based): chr4:991,422, G>A on the plus strand (C>T on the coding strand, the complement: SLC26A1 is on the minus strand). VCF-style: chr4-991422-G-A. GRCh37 (hg19) VCF-style: chr4-985210-G-A.
Other names: c.282C>T, p.Ala94= (NM_134425.4, NM_213613.4); c.299+3473G>A (NM_000203.5).
Identifiers: ClinVar variation 2182704 (VCV002182704.12), dbSNP rs369638599, ClinGen allele CA2801721.